The following is an entry in ClinVar:

ClinVar aggregate classification (germline): Conflicting classifications of pathogenicity. Review status: criteria provided, conflicting classifications (1 of 4 stars). 6 submissions from 6 submitters: Likely pathogenic (1); Uncertain significance (3); Likely benign (2). Last evaluated 2026-07-01.

Conditions:
Tip-toe gait. Also called: Toe walking. Identifiers: MedGen C0427144, HP:0030051.

Allele frequency attached by ClinVar (database versions not stated): TOPMed 0.00015; ExAC 0.00017; gnomAD 0.00019 and 0.00021; gnomAD exomes 0.00019 and 0.00021; ESP Exome Variant Server 0.00031.
gnomAD v4.1: 329 of 1,613,870 alleles (0.02%); highest among the groups gnomAD compares: Non-Finnish European, 0.025%; 1 homozygote.

Submissions (6):

CeGaT Center for Human Genetics Tuebingen
Classification: Likely benign. Last evaluated: 2026-07-01. Review status: criteria provided, single submitter. Criteria: CeGaT Center For Human Genetics Tuebingen Variant Classification Criteria Version 2. Collection method: clinical testing. Allele origin: germline. Affected: yes. Observed: 2 variant alleles.
Comment: SBF1: BP4

Labcorp Genetics (formerly Invitae), Labcorp
Classification: Uncertain significance. Last evaluated: 2025-10-02. Review status: criteria provided, single submitter. Criteria: Invitae Variant Classification Sherloc (09022015). Collection method: clinical testing. Allele origin: germline.
Comment: This sequence change replaces proline, which is neutral and non-polar, with serine, which is neutral and polar, at codon 438 of the SBF1 protein (p.Pro438Ser). This variant is present in population databases (rs201645895, gnomAD 0.07%). This variant has not been reported in the literature in individuals affected with SBF1-related conditions. ClinVar contains an entry for this variant (Variation ID: 1394983). Invitae Evidence Modeling of protein sequence and biophysical properties (such as structural, functional, and spatial information, amino acid conservation, physicochemical variation, residue mobility, and thermodynamic stability) indicates that this missense variant is not expected to disrupt SBF1 protein function with a negative predictive value of 80%. In summary, the available evidence is currently insufficient to determine the role of this variant in disease. Therefore, it has been classified as a Variant of Uncertain Significance.

Mayo Clinic Laboratories, Mayo Clinic
Classification: Uncertain significance. Last evaluated: 2025-07-30. Review status: criteria provided, single submitter. Criteria: ACMG Guidelines, 2015. Collection method: clinical testing. Allele origin: germline. Observed: 1 variant allele.
Comment: BP4_moderate

Blueprint Genetics
Classification: Likely benign. Last evaluated: 2024-09-05. Review status: criteria provided, single submitter. Criteria: ACMG Guidelines, 2015. Collection method: clinical testing. Allele origin: germline.

Practice for Gait Abnormalities, David Pomarino, Competency Network Toe Walking C/o Practice Pomarino
Classification: Likely pathogenic for Tip-toe gait. Last evaluated: 2022-03-31. Review status: criteria provided, single submitter. Criteria: Pomarino et al. (Glob Med Genet. 2026). Collection method: clinical testing. Allele origin: germline. Affected: yes.

Ambry Genetics
Classification: Uncertain significance. Last evaluated: 2021-09-01. Review status: criteria provided, single submitter. Criteria: Ambry Variant Classification Scheme 2023. Collection method: clinical testing. Allele origin: germline.

NM_002972.4(SBF1):c.1312C>T (p.Pro438Ser)

Gene: SBF1 (SET binding factor 1; minus strand). Cytogenetic location: 22q13.33.
Variant type: single nucleotide variant.
Coding change: c.1312C>T on transcript NM_002972.4 (MANE Select); coding-DNA position 1312, C replaced by T.
Protein change: p.Pro438Ser; replaces proline 438 with serine.
Molecular consequence: missense variant.
Genome position (GRCh38, 1-based): chr22:50,465,021, G>A on the plus strand (C>T on the coding strand, the complement: SBF1 is on the minus strand). VCF-style: chr22-50465021-G-A. GRCh37 (hg19) VCF-style: chr22-50903450-G-A.
Other names: p.Pro438Ser; c.1312C>T (NM_002972.2, NM_002972.3); c.1315C>T, p.Pro439Ser (NM_001365819.1); short protein forms P438S, P439S.
Identifiers: ClinVar variation 1394983 (VCV001394983.16), dbSNP rs201645895, ClinGen allele CA10317745.